The following is an entry in ClinVar:

ClinVar aggregate classification (germline): Uncertain significance. Review status: criteria provided, multiple submitters, no conflicts (2 of 4 stars). 2 submissions from 2 submitters: Uncertain significance (2). Last evaluated 2022-08-15.

Conditions:
Deficiency of alpha-mannosidase (MANSA). Also called: Alpha-Mannosidosis; Mannosidosis, alpha-, types I and II; LYSOSOMAL ALPHA-D-MANNOSIDASE DEFICIENCY. Identifiers: Orphanet 61, MedGen C0024748, MONDO:0009561, OMIM 248500.

Allele frequency attached by ClinVar (database versions not stated): gnomAD 0.00001; TOPMed 0.00001.
gnomAD v4.1: 26 of 1,613,140 alleles (0.0016%); highest among the groups gnomAD compares: Admixed American, 0.005%; no homozygotes.

Submissions (2):

GeneDx
Classification: Uncertain significance. Last evaluated: 2022-08-15. Review status: criteria provided, single submitter. Criteria: GeneDx Variant Classification Process June 2021. Collection method: clinical testing. Allele origin: germline. Affected: yes.
Comment: In silico analysis supports that this missense variant does not alter protein structure/function; Has not been previously published as pathogenic or benign to our knowledge

Labcorp Genetics (formerly Invitae), Labcorp
Classification: Uncertain significance for Deficiency of alpha-mannosidase. Last evaluated: 2022-06-07. Review status: criteria provided, single submitter. Criteria: Invitae Variant Classification Sherloc (09022015). Collection method: clinical testing. Allele origin: germline.
Comment: This sequence change replaces leucine, which is neutral and non-polar, with methionine, which is neutral and non-polar, at codon 207 of the MAN2B1 protein (p.Leu207Met). This variant is present in population databases (rs778300782, gnomAD 0.1%). This variant has not been reported in the literature in individuals affected with MAN2B1-related conditions. ClinVar contains an entry for this variant (Variation ID: 1438112). Algorithms developed to predict the effect of missense changes on protein structure and function are either unavailable or do not agree on the potential impact of this missense change (SIFT: "Tolerated"; PolyPhen-2: "Probably Damaging"; Align-GVGD: "Class C0"). In summary, the available evidence is currently insufficient to determine the role of this variant in disease. Therefore, it has been classified as a Variant of Uncertain Significance.

NM_000528.4(MAN2B1):c.619C>A (p.Leu207Met)

Gene: MAN2B1 (mannosidase alpha class 2B member 1; minus strand). Cytogenetic location: 19p13.13.
Variant type: single nucleotide variant.
Coding change: c.619C>A on transcript NM_000528.4 (MANE Select); coding-DNA position 619, C replaced by A.
Protein change: p.Leu207Met; replaces leucine 207 with methionine.
Molecular consequence: missense variant.
Genome position (GRCh38, 1-based): chr19:12,664,803, G>T on the plus strand (C>A on the coding strand, the complement: MAN2B1 is on the minus strand). VCF-style: chr19-12664803-G-T. GRCh37 (hg19) VCF-style: chr19-12775617-G-T.
Other names: c.619C>A (NM_000528.3); c.619C>A, p.Leu207Met (NM_001173498.2); short protein forms L207M.
Identifiers: ClinVar variation 1438112 (VCV001438112.5), dbSNP rs778300782, ClinGen allele CA9226768.
Genomic context (GRCh38, chr19:12,664,803, plus strand): 5'-GAGCCAGAGTGAGTGAAGAAGTGGGCCCAAGAGAGGTCCCGGGTCGCACCTGCGCAAACA[G>T]CGAGGCCTGCTCCCGAGAGTGGCCGAAGGGGTCAATGTGCCAGGCCACACGGGGTCGCCC-3'
Protein context (NP_000519.2, residues 197-217): PFGHSREQAS[Leu207Met]FAQMGFDGFF